The following is an entry in ClinVar:

ClinVar aggregate classification (germline): Uncertain significance (1 of 4 stars; one submission).

Submission:

Labcorp Genetics (formerly Invitae), Labcorp
Classification: Uncertain significance. Last evaluated: 2021-07-21. Review status: criteria provided, single submitter. Criteria: Invitae Variant Classification Sherloc (09022015). Collection method: clinical testing. Allele origin: germline.
Comment: In summary, the available evidence is currently insufficient to determine the role of this variant in disease. Therefore, it has been classified as a Variant of Uncertain Significance. This variant has not been reported in the literature in individuals affected with GLIS3-related conditions. This variant results in a copy number gain of the genomic region encompassing exon(s) 2-3 of the GLIS3 gene. This region includes the initiator codon of the gene. The 5' end of this event is unknown as it extends beyond the assayed region for this gene and therefore may encompass additional genes. The 3' boundary is likely confined to intron 3 of the GLIS3 gene. As the precise location of this event is unknown, it may be in tandem or it may be located elsewhere in the genome.

NC_000009.11:g.(?_4117748)_(4125864_?)dup

Gene: GLIS3 (GLIS family zinc finger 3; minus strand). Cytogenetic location: 9p24.2.
Variant type: Duplication.
Identifiers: ClinVar variation 1412826 (VCV001412826.4).